The following is an entry in ClinVar:

NM_015443.4(KANSL1):c.907A>G (p.Lys303Glu)

Gene: KANSL1 (KAT8 regulatory NSL complex subunit 1). Cytogenetic location: 17q21.31.
Variant type: single nucleotide variant.
Coding change: c.907A>G on transcript NM_015443.4 (MANE Select); coding-DNA position 907, A replaced by G.
Protein change: p.Lys303Glu; replaces lysine 303 with glutamic acid.
Molecular consequence: missense variant.
Genome position (GRCh38, 1-based): chr17:46,171,237, T>C on the plus strand (A>G on the coding strand, the complement: KANSL1 is on the minus strand). VCF-style: chr17-46171237-T-C. GRCh37 (hg19) VCF-style: chr17-44248603-T-C.
Other names: c.907A>G, p.Lys303Glu (NM_001193465.2, NM_001193466.2, NM_001379198.1); short protein forms K303E.
Identifiers: ClinVar variation 577860 (VCV000577860.10), dbSNP rs1263813959, ClinGen allele CA399980259.
Genomic context (GRCh38, chr17:46,171,237, plus strand): 5'-CACCCAGCTGATGTTGTATATGCCTCTCAACCTGCTTGGCTTGCACAACCTGTAAGCGCT[T>C]TTGTAATCTGCGGGCACGGCTCTCAATGTCAGCCTGTCGCCGCAGTAAAGCTGTTATCCT-3'
Protein context (NP_056258.1, residues 293-313): DIESRARRLQ[Lys303Glu]RLQVVQAKQV

ClinVar aggregate classification (germline): Uncertain significance (1 of 4 stars; one submission).

Conditions:
Koolen-de Vries syndrome (KDVS). Identifiers: Orphanet 96169, MedGen C1864871, MONDO:0012496, OMIM 610443.

Allele frequency attached by ClinVar (database versions not stated): gnomAD 0.00001; TOPMed 0.00001.
gnomAD v4.1: 1 of 1,613,996 alleles (0.000062%); highest among the groups gnomAD compares: Non-Finnish European, 0.000085%; no homozygotes.

Submission:

Labcorp Genetics (formerly Invitae), Labcorp
Classification: Uncertain significance for Koolen-de Vries syndrome. Last evaluated: 2022-03-19. Review status: criteria provided, single submitter. Criteria: Invitae Variant Classification Sherloc (09022015). Collection method: clinical testing. Allele origin: germline.
Comment: Until the location of this sequence change can be resolved, the clinical significance of this variant remains uncertain. It has been classified as a Variant of Uncertain Significance. Algorithms developed to predict the effect of missense changes on protein structure and function are either unavailable or do not agree on the potential impact of this missense change (SIFT: "Deleterious"; PolyPhen-2: "Probably Damaging"; Align-GVGD: "Class C15"). ClinVar contains an entry for this variant (Variation ID: 577860). This variant has not been reported in the literature in individuals with KANSL1-related conditions. This variant is not present in population databases (gnomAD no frequency). This sequence change replaces lysine, which is basic and polar, with glutamic acid, which is acidic and polar, at codon 303 of the KANSL1 protein (p.Lys303Glu). Due to the possible presence of a polymorphic segmental duplication, the location of the variant could not be unambiguously resolved. Variants with ambiguous mapping are still reported relative to the KANSL1 transcript.